The following is an entry in ClinVar:

NM_000170.3(GLDC):c.2838+5G>T

Gene: GLDC (glycine decarboxylase; minus strand). Cytogenetic location: 9p24.1.
Variant type: single nucleotide variant.
Coding change: c.2838+5G>T on transcript NM_000170.3 (MANE Select); 5 bases into the intron after coding-DNA position 2838, G replaced by T.
Molecular consequence: intron variant.
Genome position (GRCh38, 1-based): chr9:6,536,059, C>A on the plus strand (G>T on the coding strand, the complement: GLDC is on the minus strand). VCF-style: chr9-6536059-C-A. GRCh37 (hg19) VCF-style: chr9-6536059-C-A.
Identifiers: ClinVar variation 2136733 (VCV002136733.4), dbSNP rs386833568, ClinGen allele CA2580080270.

ClinVar aggregate classification (germline): Pathogenic (1 of 4 stars; one submission).

Conditions:
Glycine encephalopathy. Also called: Non-ketotic hyperglycinemia; Nonketotic hyperglycinemia. Identifiers: Orphanet 407, MedGen C0751748, MONDO:0011612, HP:0008288.

Submission:

Labcorp Genetics (formerly Invitae), Labcorp
Classification: Pathogenic for Glycine encephalopathy. Last evaluated: 2025-03-19. Review status: criteria provided, single submitter. Criteria: Invitae Variant Classification Sherloc (09022015). Collection method: clinical testing. Allele origin: germline.
Comment: This sequence change falls in intron 23 of the GLDC gene. It does not directly change the encoded amino acid sequence of the GLDC protein. It affects a nucleotide within the consensus splice site. This variant is not present in population databases (gnomAD no frequency). This variant has been observed in individual(s) with glycine encephalopathy (PMID: 27362913). ClinVar contains an entry for this variant (Variation ID: 2136733). Variants that disrupt the consensus splice site are a relatively common cause of aberrant splicing (PMID: 17576681, 9536098). Algorithms developed to predict the effect of sequence changes on RNA splicing suggest that this variant may disrupt the consensus splice site. This variant disrupts the c.2838+5G nucleotide in the GLDC gene. Other variant(s) that disrupt this nucleotide have been determined to be pathogenic (PMID: 27362913). This suggests that this nucleotide is clinically significant, and that variants that disrupt this position are likely to be disease-causing. For these reasons, this variant has been classified as Pathogenic.

Literature cited by the submitters: PubMed 27362913; PubMed 17576681; PubMed 9536098.